The following is an entry in ClinVar:

ClinVar aggregate classification (germline): Uncertain significance (1 of 4 stars; one submission).

Conditions:
RFT1-congenital disorder of glycosylation (CDG1N). Also called: CDG In; RFT1-CDG; Congenital disorder of glycosylation type In. Identifiers: Orphanet 244310, MedGen C2677590, MONDO:0012783, OMIM 612015.

Allele frequency attached by ClinVar (database versions not stated): gnomAD exomes below 0.00001.
gnomAD v4.1: 1 of 1,614,268 alleles (0.000062%); highest among the groups gnomAD compares: Admixed American, 0.0017%; no homozygotes.

Submission:

Labcorp Genetics (formerly Invitae), Labcorp
Classification: Uncertain significance for RFT1-congenital disorder of glycosylation. Last evaluated: 2024-12-16. Review status: criteria provided, single submitter. Criteria: Invitae Variant Classification Sherloc (09022015). Collection method: clinical testing. Allele origin: germline.
Comment: This sequence change replaces alanine, which is neutral and non-polar, with serine, which is neutral and polar, at codon 516 of the RFT1 protein (p.Ala516Ser). This variant is present in population databases (no rsID available, gnomAD 0.003%). This variant has not been reported in the literature in individuals affected with RFT1-related conditions. ClinVar contains an entry for this variant (Variation ID: 1009089). Invitae Evidence Modeling of protein sequence and biophysical properties (such as structural, functional, and spatial information, amino acid conservation, physicochemical variation, residue mobility, and thermodynamic stability) indicates that this missense variant is not expected to disrupt RFT1 protein function with a negative predictive value of 80%. In summary, the available evidence is currently insufficient to determine the role of this variant in disease. Therefore, it has been classified as a Variant of Uncertain Significance.

NM_052859.4(RFT1):c.1546G>T (p.Ala516Ser)

Gene: RFT1 (RFT1 glycolipid translocator homolog; minus strand). Cytogenetic location: 3p21.1.
Variant type: single nucleotide variant.
Coding change: c.1546G>T on transcript NM_052859.4 (MANE Select); coding-DNA position 1546, G replaced by T.
Protein change: p.Ala516Ser; replaces alanine 516 with serine.
Molecular consequence: missense variant.
Genome position (GRCh38, 1-based): chr3:53,091,983, C>A on the plus strand (G>T on the coding strand, the complement: RFT1 is on the minus strand). VCF-style: chr3-53091983-C-A. GRCh37 (hg19) VCF-style: chr3-53125999-C-A.
Other names: short protein forms A516S.
Identifiers: ClinVar variation 1009089 (VCV001009089.4), dbSNP rs1306859696, ClinGen allele CA353225910.
Genomic context (GRCh38, chr3:53,091,983, plus strand): 5'-GTCTGGGCACACCTAACTGAGTCCTGAGGAAATGGATCAGCTTGGTCTCTGTGAGGAATG[C>A]TGTCCCGAGAGTTGCTCCCAGACAGAAGGCCCCCACAGCAATGTGTGCCAGTCTGGCTGG-3'
Protein context (NP_443091.1, residues 506-526): AFCLGATLGT[Ala516Ser]FLTETKLIHF